The following is an entry in ClinVar:

ClinVar aggregate classification (germline): Uncertain significance. Review status: criteria provided, multiple submitters, no conflicts (2 of 4 stars). 2 submissions from 2 submitters: Uncertain significance (2). Last evaluated 2025-08-13.

Conditions:
Congenital dyserythropoietic anemia, type II (CDAN2). Also called: DYSERYTHROPOIETIC ANEMIA, HEMPAS TYPE. Identifiers: Orphanet 98873, MedGen C1306589, MONDO:0009134, OMIM 224100.
Cowden syndrome 7 (CWS7). Identifiers: Orphanet 201, MedGen C4225179, MONDO:0014802, OMIM 616858.
Inborn genetic diseases. Identifiers: MedGen C0950123, MeSH D030342.

Allele frequency attached by ClinVar (database versions not stated): TOPMed 0.00001; gnomAD exomes 0.00002; ExAC 0.00003; gnomAD 0.00004.
gnomAD v4.1: 36 of 1,614,072 alleles (0.0022%); highest among the groups gnomAD compares: Non-Finnish European, 0.0029%; no homozygotes.

Submissions (2):

Ambry Genetics
Classification: Uncertain significance for Inborn genetic diseases. Last evaluated: 2025-08-13. Review status: criteria provided, single submitter. Criteria: Ambry Variant Classification Scheme 2023. Collection method: clinical testing. Allele origin: germline.

Labcorp Genetics (formerly Invitae), Labcorp
Classification: Uncertain significance for Congenital dyserythropoietic anemia, type II; Cowden syndrome 7. Last evaluated: 2024-11-04. Review status: criteria provided, single submitter. Criteria: Invitae Variant Classification Sherloc (09022015). Collection method: clinical testing. Allele origin: germline.
Comment: This sequence change replaces aspartic acid, which is acidic and polar, with asparagine, which is neutral and polar, at codon 306 of the SEC23B protein (p.Asp306Asn). This variant is present in population databases (rs763130110, gnomAD 0.008%). This variant has not been reported in the literature in individuals affected with SEC23B-related conditions. ClinVar contains an entry for this variant (Variation ID: 1438971). Invitae Evidence Modeling of protein sequence and biophysical properties (such as structural, functional, and spatial information, amino acid conservation, physicochemical variation, residue mobility, and thermodynamic stability) indicates that this missense variant is not expected to disrupt SEC23B protein function with a negative predictive value of 95%. In summary, the available evidence is currently insufficient to determine the role of this variant in disease. Therefore, it has been classified as a Variant of Uncertain Significance.

NM_006363.6(SEC23B):c.916G>A (p.Asp306Asn)

Gene: SEC23B (SEC23 homolog B, COPII component; plus strand). Cytogenetic location: 20p11.23.
Variant type: single nucleotide variant.
Coding change: c.916G>A on transcript NM_006363.6 (MANE Select); coding-DNA position 916, G replaced by A.
Protein change: p.Asp306Asn; replaces aspartic acid 306 with asparagine.
Molecular consequence: missense variant.
Genome position (GRCh38, 1-based): chr20:18,526,454, G>A. VCF-style: chr20-18526454-G-A. GRCh37 (hg19) VCF-style: chr20-18507098-G-A.
Other names: c.916G>A, p.Asp306Asn (NM_001172745.3, NM_032985.6, NM_032986.5); c.862G>A, p.Asp288Asn (NM_001172746.3); c.916G>A (NM_006363.4); short protein forms D288N, D306N.
Identifiers: ClinVar variation 1438971 (VCV001438971.5), dbSNP rs763130110, ClinGen allele CA9778165.